The following is an entry in ClinVar:

NM_000718.4(CACNA1B):c.4481A>C (p.Asp1494Ala)

Gene: CACNA1B (calcium voltage-gated channel subunit alpha1 B; plus strand). Cytogenetic location: 9q34.3.
Variant type: single nucleotide variant.
Coding change: c.4481A>C on transcript NM_000718.4 (MANE Select); coding-DNA position 4481, A replaced by C.
Protein change: p.Asp1494Ala; replaces aspartic acid 1494 with alanine.
Molecular consequence: missense variant.
Genome position (GRCh38, 1-based): chr9:138,059,086, A>C. VCF-style: chr9-138059086-A-C. GRCh37 (hg19) VCF-style: chr9-140953538-A-C.
Other names: c.4481A>C, p.Asp1494Ala (NM_001243812.2); short protein forms D1494A.
Identifiers: ClinVar variation 2104145 (VCV002104145.4), dbSNP rs971630607, ClinGen allele CA375814795.

ClinVar aggregate classification (germline): Uncertain significance (1 of 4 stars; one submission).

gnomAD v4.1: 2 of 1,607,140 alleles (0.00012%); highest among the groups gnomAD compares: African/African-American, 0.0013%; no homozygotes.

Submission:

Labcorp Genetics (formerly Invitae), Labcorp
Classification: Uncertain significance. Last evaluated: 2022-02-27. Review status: criteria provided, single submitter. Criteria: Invitae Variant Classification Sherloc (09022015). Collection method: clinical testing. Allele origin: germline.
Comment: In summary, the available evidence is currently insufficient to determine the role of this variant in disease. Therefore, it has been classified as a Variant of Uncertain Significance. Advanced modeling of protein sequence and biophysical properties (such as structural, functional, and spatial information, amino acid conservation, physicochemical variation, residue mobility, and thermodynamic stability) performed at Invitae indicates that this missense variant is not expected to disrupt CACNA1B protein function. This sequence change replaces aspartic acid, which is acidic and polar, with alanine, which is neutral and non-polar, at codon 1494 of the CACNA1B protein (p.Asp1494Ala). This variant is present in population databases (no rsID available, gnomAD 0.007%). This variant has not been reported in the literature in individuals affected with CACNA1B-related conditions.